The following is an entry in ClinVar:

NM_000518.5(HBB):c.316-179A>T

Genes: HBB (hemoglobin subunit beta; minus strand), LOC107133510 (origin of replication at HBB; plus strand), LOC110006319 (beta-globin gene 3' regulatory region; plus strand). Cytogenetic location: 11p15.4.
Variant type: single nucleotide variant.
Coding change: c.316-179A>T on transcript NM_000518.5 (MANE Select); 179 bases into the intron before coding-DNA position 316, A replaced by T.
Molecular consequence: intron variant.
Genome position (GRCh38, 1-based): chr11:5,225,905, T>A on the plus strand (A>T on the coding strand, the complement: HBB is on the minus strand). VCF-style: chr11-5225905-T-A. GRCh37 (hg19) VCF-style: chr11-5247135-T-A.
Identifiers: ClinVar variation 2681988 (VCV002681988.4), dbSNP rs185607297, ClinGen allele CA2697548375.

ClinVar aggregate classification (germline): Conflicting classifications of pathogenicity. Review status: criteria provided, conflicting classifications (1 of 4 stars). 2 submissions from 2 submitters: Uncertain significance (1); Likely benign (1). Last evaluated 2023-08-17.

Submissions (2):

Quest Diagnostics Nichols Institute San Juan Capistrano
Classification: Uncertain significance. Last evaluated: 2023-08-17. Review status: criteria provided, single submitter. Criteria: Quest Diagnostics criteria. Collection method: clinical testing. Allele origin: unknown.
Comment: The HBB c.316-179A>T variant, to the best of our knowledge, has not been reported in the published literature. It also has not been reported in large, multi-ethnic general populations (Genome Aggregation Database). Analysis of this variant using software algorithms for the prediction of the effect of nucleotide changes on splicing yielded predictions that this variant does not affect HBB mRNA splicing . Based on the available information, we are unable to determine the clinical significance of this variant.

Labcorp Genetics (formerly Invitae), Labcorp
Classification: Likely benign. Last evaluated: 2023-06-23. Review status: criteria provided, single submitter. Criteria: Invitae Variant Classification Sherloc (09022015). Collection method: clinical testing. Allele origin: germline.